The following is an entry in ClinVar:

NM_001365999.1(SZT2):c.7641C>T (p.His2547=)

Gene: SZT2 (SZT2 subunit of KICSTOR complex; plus strand). Cytogenetic location: 1p34.2.
Variant type: single nucleotide variant.
Coding change: c.7641C>T on transcript NM_001365999.1 (MANE Select); coding-DNA position 7641, C replaced by T.
Protein change: p.His2547=; no amino-acid change (histidine 2547 retained).
Molecular consequence: synonymous variant.
Genome position (GRCh38, 1-based): chr1:43,441,717, C>T. VCF-style: chr1-43441717-C-T. GRCh37 (hg19) VCF-style: chr1-43907388-C-T.
Other names: c.7470C>T, p.His2490= (NM_015284.4).
Identifiers: ClinVar variation 588439 (VCV000588439.23), dbSNP rs144699351, ClinGen allele CA810285.

ClinVar aggregate classification (germline): Likely benign. Review status: criteria provided, multiple submitters, no conflicts (2 of 4 stars). 5 submissions from 5 submitters: Likely benign (4). 1 of the submissions does not count toward it. Last evaluated 2025-12-15.

Conditions:
Developmental and epileptic encephalopathy, 18 (DEE18). Also called: Early infantile epileptic encephalopathy 18. Identifiers: Orphanet 369894, MedGen C3809624, MONDO:0014201, OMIM 615476.
Inborn genetic diseases. Identifiers: MedGen C0950123, MeSH D030342.
SZT2-related disorder. Also called: SZT2-related condition.

Allele frequency attached by ClinVar (database versions not stated): gnomAD exomes 0.00004 and 0.00019; ExAC 0.00021; 1000 Genomes Project 30x 0.00031; 1000 Genomes Project 0.00040; ESP Exome Variant Server 0.00054; gnomAD 0.00056 and 0.00063; TOPMed 0.00063.
gnomAD v4.1: 147 of 1,614,232 alleles (0.0091%); highest among the groups gnomAD compares: African/African-American, 0.18%; 2 homozygotes.

Submissions (5):

Labcorp Genetics (formerly Invitae), Labcorp
Classification: Likely benign. Last evaluated: 2025-12-15. Review status: criteria provided, single submitter. Criteria: Invitae Variant Classification Sherloc (09022015). Collection method: clinical testing. Allele origin: germline.

Genome-Nilou Lab
Classification: Likely benign for Developmental and epileptic encephalopathy, 18. Last evaluated: 2023-04-11. Review status: criteria provided, single submitter. Criteria: ACMG Guidelines, 2015. Collection method: clinical testing. Allele origin: germline. Affected: no.

GeneDx
Classification: Likely benign. Last evaluated: 2021-11-02. Review status: criteria provided, single submitter. Criteria: GeneDx Variant Classification Process June 2021. Collection method: clinical testing. Allele origin: germline. Affected: yes.

Ambry Genetics
Classification: Likely benign for Inborn genetic diseases. Last evaluated: 2016-11-16. Review status: criteria provided, single submitter. Criteria: Ambry Variant Classification Scheme 2023. Collection method: clinical testing. Allele origin: germline.

PreventionGenetics, part of Exact Sciences
Classification: Likely benign for SZT2-related condition. Last evaluated: 2019-02-22. Review status: no assertion criteria provided. Collection method: clinical testing. Allele origin: germline. Not counted in ClinVar's aggregate classification.
Comment: This variant is classified as likely benign based on ACMG/AMP sequence variant interpretation guidelines (Richards et al. 2015 PMID: 25741868, with internal and published modifications).